The following is an entry in ClinVar:

NM_013275.6(ANKRD11):c.970G>A (p.Glu324Lys)

Gene: ANKRD11 (ankyrin repeat domain containing 11; minus strand). Cytogenetic location: 16q24.3.
Variant type: single nucleotide variant.
Coding change: c.970G>A on transcript NM_013275.6 (MANE Select); coding-DNA position 970, G replaced by A.
Protein change: p.Glu324Lys; replaces glutamic acid 324 with lysine.
Molecular consequence: missense variant.
Genome position (GRCh38, 1-based): chr16:89,285,572, C>T on the plus strand (G>A on the coding strand, the complement: ANKRD11 is on the minus strand). VCF-style: chr16-89285572-C-T. GRCh37 (hg19) VCF-style: chr16-89351980-C-T.
Other names: c.970G>A, p.Glu324Lys (NM_001256182.2, NM_001256183.2); c.970G>A (NM_013275.5); short protein forms E324K.
Identifiers: ClinVar variation 1767943 (VCV001767943.3), dbSNP rs2544246815, ClinGen allele CA397166052.

ClinVar aggregate classification (germline): Uncertain significance. Review status: criteria provided, multiple submitters, no conflicts (2 of 4 stars). 2 submissions from 2 submitters: Uncertain significance (2). Last evaluated 2024-09-23.

Conditions:
Inborn genetic diseases. Identifiers: MedGen C0950123, MeSH D030342.

Allele frequency attached by ClinVar (database versions not stated): gnomAD exomes below 0.00001.

Submissions (2):

GeneDx
Classification: Uncertain significance. Last evaluated: 2024-09-23. Review status: criteria provided, single submitter. Criteria: GeneDx Variant Classification Process June 2021. Collection method: clinical testing. Allele origin: germline. Affected: yes.
Comment: Not observed at significant frequency in large population cohorts (gnomAD); In silico analysis supports that this missense variant has a deleterious effect on protein structure/function; Has not been previously published as pathogenic or benign to our knowledge

Ambry Genetics
Classification: Uncertain significance for Inborn genetic diseases. Last evaluated: 2018-01-22. Review status: criteria provided, single submitter. Criteria: Ambry Variant Classification Scheme 2023. Collection method: clinical testing. Allele origin: germline.
Comment: The p.E324K variant (also known as c.970G>A), located in coding exon 7 of the ANKRD11 gene, results from a G to A substitution at nucleotide position 970. The glutamic acid at codon 324 is replaced by lysine, an amino acid with similar properties. This amino acid position is highly conserved in available vertebrate species. In addition, the in silico prediction for this alteration is inconclusive. Since supporting evidence is limited at this time, the clinical significance of this alteration remains unclear.